The following is an entry in ClinVar:

ClinVar aggregate classification (germline): Likely pathogenic. Review status: reviewed by expert panel (3 of 4 stars). 7 submissions from 7 submitters: Likely pathogenic (1). 6 of the submissions do not count toward it. Last evaluated 2026-11-22.

Conditions:
Chuvash polycythemia. Also called: POLYCYTHEMIA, VHL-DEPENDENT. Identifiers: Orphanet 238557, MedGen C1837915, MONDO:0009892, OMIM 263400.
Von Hippel-Lindau syndrome (VHLS). Also called: von Hippel–Lindau syndrome; VHL syndrome; Von Hippel-Lindau. Identifiers: Orphanet 892, MedGen C0019562, MONDO:0008667, OMIM 193300. Disease mechanism: loss of function.

Submissions (7):

ClinGen VHL Variant Curation Expert Panel, ClinGen
Classification: Likely pathogenic for Von Hippel-Lindau syndrome. Last evaluated: 2026-11-22. Review status: reviewed by expert panel. Criteria: ClinGen VHL ACMG Specifications VHL V1.1.0. Collection method: curation. Allele origin: germline. Inheritance: Autosomal dominant inheritance.
Comment: The variant NM_000551.4(VHL):c.311G>T (p.Gly104Val) is a missense variant located in exon 1 of the VHL gene, resulting in a glycine to valine substitution at codon 104 of the VHL protein. It resides within the first beta domain (amino acids 63–155), a critical functional region, and therefore meets the full moderate criteria for PM1. The computational predictor REVEL yields a score of 0.907, exceeding the VHL VCEP threshold of ≥0.664, which provides evidence for a deleterious effect on VHL function (PP3). This variant is absent from population databases (gnomAD v4), supporting PM2 (PM2_Supporting). Due to lacking segregation and phenotyping, PP1 cannot be met as there must be at minimum 3 meiosis. The total case-level evidence supports PS4_Moderate. This variant has also been identified as a de novo occurrence with unconfirmed parental relationships in 1 individual with pheochromocytoma-only with a multi-gene panel (PM6_Supporting; PMID: 33618821). In summary, this variant meets the threshold for likely pathogenic for von Hippel-Lindau disease (VHL). ACMG/AMP criteria applied, as specified by the ClinGen VHL VCEP Version 1.1.0 (Specifications approval date: 01/10/2025). Variant Approval Date 11/22/2026.

GeneDx
Classification: Uncertain significance. Last evaluated: 2024-09-06. Review status: criteria provided, single submitter. Criteria: GeneDx Variant Classification Process June 2021. Collection method: clinical testing. Allele origin: germline. Affected: yes. Not counted in ClinVar's aggregate classification.
Comment: In silico analysis supports that this missense variant has a deleterious effect on protein structure/function; Not observed at significant frequency in large population cohorts (gnomAD); This variant is associated with the following publications: (PMID: 31132167, 15642664, 33918692, 33618821, 16210343, 24729484, 29789510, 18584357)

Labcorp Genetics (formerly Invitae), Labcorp
Classification: Likely pathogenic for Von Hippel-Lindau syndrome; Chuvash polycythemia. Last evaluated: 2024-07-02. Review status: criteria provided, single submitter. Criteria: Invitae Variant Classification Sherloc (09022015). Collection method: clinical testing. Allele origin: germline. Not counted in ClinVar's aggregate classification.
Comment: This sequence change replaces glycine, which is neutral and non-polar, with valine, which is neutral and non-polar, at codon 104 of the VHL protein (p.Gly104Val). This variant is not present in population databases (gnomAD no frequency). This missense change has been observed in individuals with clinical features of VHL-related conditions (PMID: 18584357, 29789510, 33618821). ClinVar contains an entry for this variant (Variation ID: 223183). Advanced modeling of protein sequence and biophysical properties (such as structural, functional, and spatial information, amino acid conservation, physicochemical variation, residue mobility, and thermodynamic stability) performed at Invitae indicates that this missense variant is expected to disrupt VHL protein function with a positive predictive value of 95%. In summary, the currently available evidence indicates that the variant is pathogenic, but additional data are needed to prove that conclusively. Therefore, this variant has been classified as Likely Pathogenic.

Myriad Genetics, Inc.
Classification: Likely pathogenic for Von Hippel-Lindau syndrome. Last evaluated: 2023-01-31. Review status: criteria provided, single submitter. Criteria: Myriad Autosomal Dominant, Autosomal Recessive and X-Linked Classification Criteria (2023). Collection method: clinical testing. Allele origin: unknown. Not counted in ClinVar's aggregate classification.
Comment: This variant is considered likely pathogenic. Functional studies indicate this variant impacts protein function [PMID: 29789510, 18584357, 33618821]. This variant is expected to disrupt protein structure [internal Myriad data].

PreventionGenetics, part of Exact Sciences
Classification: Uncertain significance. Last evaluated: 2015-07-17. Review status: criteria provided, single submitter. Criteria: ACMG Guidelines, 2015. Collection method: clinical testing. Allele origin: germline. Not counted in ClinVar's aggregate classification.

Clinical Genomics Labs, University Health Network
Classification: Uncertain significance for Von Hippel-Lindau syndrome. Last evaluated: 2020-02-14. Review status: no assertion criteria provided. Criteria: ACMG Guidelines, 2015. Collection method: clinical testing. Allele origin: germline. Not counted in ClinVar's aggregate classification.

Genomic Diagnostic Laboratory, Division of Genomic Diagnostics, Children's Hospital of Philadelphia
Classification: Likely pathogenic for Von Hippel-Lindau syndrome. Last evaluated: 2016-02-26. Review status: no assertion criteria provided. Collection method: clinical testing. Allele origin: germline. Affected: yes. Observed: 4 variant alleles. Not counted in ClinVar's aggregate classification.

Literature cited by the submitters: PubMed 18584357 (cited by Labcorp Genetics (formerly Invitae), Labcorp and Myriad Genetics, Inc.); PubMed 29789510 (cited by Labcorp Genetics (formerly Invitae), Labcorp and Myriad Genetics, Inc.); PubMed 33618821 (cited by Labcorp Genetics (formerly Invitae), Labcorp and Myriad Genetics, Inc.).

NM_000551.4(VHL):c.311G>T (p.Gly104Val)

Gene: VHL (von Hippel-Lindau tumor suppressor; plus strand). Cytogenetic location: 3p25.3.
Variant type: single nucleotide variant.
Coding change: c.311G>T on transcript NM_000551.4 (MANE Select); coding-DNA position 311, G replaced by T.
Protein change: p.Gly104Val; replaces glycine 104 with valine.
Molecular consequence: missense variant.
Genome position (GRCh38, 1-based): chr3:10,142,158, G>T. VCF-style: chr3-10142158-G-T. GRCh37 (hg19) VCF-style: chr3-10183842-G-T.
Other names: NM_000551.4(VHL):c.311G>T; p.Gly104Val; c.311G>T, p.Gly104Val (NM_001354723.2, NM_198156.3); short protein forms G104V.
Identifiers: ClinVar variation 223183 (VCV000223183.11), dbSNP rs869025630, ClinGen allele CA357033.